The following is an entry in ClinVar:

NM_058216.3(RAD51C):c.710G>T (p.Arg237Leu)

Gene: RAD51C (RAD51 paralog C; plus strand). Cytogenetic location: 17q22.
Variant type: single nucleotide variant.
Coding change: c.710G>T on transcript NM_058216.3 (MANE Select); coding-DNA position 710, G replaced by T.
Protein change: p.Arg237Leu; replaces arginine 237 with leucine.
Molecular consequence: missense variant. On other transcripts: non-coding transcript variant (1).
Genome position (GRCh38, 1-based): chr17:58,709,863, G>T. VCF-style: chr17-58709863-G-T. GRCh37 (hg19) VCF-style: chr17-56787224-G-T.
Other names: c.710G>T (NM_058216.2); c.*138G>T (NM_058217.1); short protein forms R237L.
Identifiers: ClinVar variation 2121546 (VCV002121546.7), dbSNP rs370393672, ClinGen allele CA400353124.

ClinVar aggregate classification (germline): Uncertain significance. Review status: criteria provided, multiple submitters, no conflicts (2 of 4 stars). 3 submissions from 3 submitters: Uncertain significance (3). Last evaluated 2025-12-31.

Conditions:
Fanconi anemia complementation group O. Also called: RAD51C-Related Fanconi Anemia. Identifiers: Orphanet 84, MedGen C3150653, MONDO:0013248, OMIM 613390.
Hereditary cancer-predisposing syndrome. Also called: Tumor predisposition; Hereditary Cancer Syndrome; Neoplastic Syndromes, Hereditary; Hereditary neoplastic syndrome. Identifiers: Orphanet 140162, MedGen C0027672, MeSH D009386, MONDO:0015356.
Breast-ovarian cancer, familial, susceptibility to, 3. Also called: RAD51C-Related Breast/Ovarian Cancer. Identifiers: Orphanet 145, MedGen C3150659, MONDO:0013253, OMIM 613399.

Submissions (3):

Labcorp Genetics (formerly Invitae), Labcorp
Classification: Uncertain significance for Fanconi anemia complementation group O. Last evaluated: 2025-12-31. Review status: criteria provided, single submitter. Criteria: Invitae Variant Classification Sherloc (09022015). Collection method: clinical testing. Allele origin: germline.
Comment: This sequence change replaces arginine, which is basic and polar, with leucine, which is neutral and non-polar, at codon 237 of the RAD51C protein (p.Arg237Leu). This variant is not present in population databases (gnomAD no frequency). This variant has not been reported in the literature in individuals affected with RAD51C-related conditions. ClinVar contains an entry for this variant (Variation ID: 2121546). Invitae Evidence Modeling of protein sequence and biophysical properties (such as structural, functional, and spatial information, amino acid conservation, physicochemical variation, residue mobility, and thermodynamic stability) indicates that this missense variant is expected to disrupt RAD51C protein function with a positive predictive value of 80%. In summary, the available evidence is currently insufficient to determine the role of this variant in disease. Therefore, it has been classified as a Variant of Uncertain Significance.

Ambry Genetics
Classification: Uncertain significance for Hereditary cancer-predisposing syndrome. Last evaluated: 2025-11-18. Review status: criteria provided, single submitter. Criteria: Ambry Variant Classification Scheme 2023. Collection method: clinical testing. Allele origin: germline.
Comment: The p.R237L variant (also known as c.710G>T), located in coding exon 5 of the RAD51C gene, results from a G to T substitution at nucleotide position 710. The arginine at codon 237 is replaced by leucine, an amino acid with dissimilar properties. This amino acid position is conserved. In addition, the in silico prediction for this alteration is inconclusive. Based on the available evidence, the clinical significance of this variant remains unclear.

KCCC/NGS Laboratory, Kuwait Cancer Control Center
Classification: Uncertain significance for Breast-ovarian cancer, familial, susceptibility to, 3. Last evaluated: 2024-01-08. Review status: criteria provided, single submitter. Criteria: ACMG Guidelines, 2015. Collection method: clinical testing. Allele origin: germline. Inheritance: Autosomal dominant inheritance. Affected: yes. Observed: 1 heterozygote.
Comment: This sequence change replaces arginine, which is basic and polar, with leucine, which is neutral and non-polar, at codon 237 of the RAD51C protein (p.Arg237Leu). This variant is not present in population databases (gnomAD no frequency). This variant has not been reported in the literature in individuals affected with RAD51C-related conditions. In-silico simulation predictions show conflicting results. In summary, the available evidence is currently insufficient to determine the role of this variant in disease. Therefore, it has been classified as a Variant of Uncertain Significance.